The following is an entry in ClinVar:

NM_000368.5(TSC1):c.913+3A>G

Gene: TSC1 (TSC complex subunit 1; minus strand). Cytogenetic location: 9q34.13.
Variant type: single nucleotide variant.
Coding change: c.913+3A>G on transcript NM_000368.5 (MANE Select); 3 bases into the intron after coding-DNA position 913, A replaced by G.
Molecular consequence: intron variant.
Genome position (GRCh38, 1-based): chr9:132,912,279, T>C on the plus strand (A>G on the coding strand, the complement: TSC1 is on the minus strand). VCF-style: chr9-132912279-T-C. GRCh37 (hg19) VCF-style: chr9-135787666-T-C.
Other names: c.550+3A>G (NM_001362177.2); c.760+3A>G (NM_001162427.2); c.913+3A>G (NM_001162426.2).
Identifiers: ClinVar variation 1025003 (VCV001025003.6), dbSNP rs1846002381, ClinGen allele CA1882417853.

ClinVar aggregate classification (germline): Uncertain significance (1 of 4 stars; one submission).

Conditions:
Tuberous sclerosis 1 (TSC1). Identifiers: Orphanet 805, MedGen C1854465, MONDO:0008612, OMIM 191100.

Submission:

Labcorp Genetics (formerly Invitae), Labcorp
Classification: Uncertain significance for Tuberous sclerosis 1. Last evaluated: 2020-06-04. Review status: criteria provided, single submitter. Criteria: Invitae Variant Classification Sherloc (09022015). Collection method: clinical testing. Allele origin: germline.
Comment: This sequence change falls in intron 9 of the TSC1 gene. It does not directly change the encoded amino acid sequence of the TSC1 protein, but it affects a nucleotide within the consensus splice site of the intron. This variant is not present in population databases (ExAC no frequency). This variant has not been reported in the literature in individuals with TSC1-related conditions. Nucleotide substitutions within the consensus splice site are a relatively common cause of aberrant splicing (PMID: 17576681, 9536098). Algorithms developed to predict the effect of sequence changes on RNA splicing suggest that this variant may disrupt the consensus splice site, but this prediction has not been confirmed by published transcriptional studies. In summary, the available evidence is currently insufficient to determine the role of this variant in disease. Therefore, it has been classified as a Variant of Uncertain Significance.

Literature cited by the submitters: PubMed 17576681; PubMed 9536098.